The following is an entry in ClinVar:

ClinVar aggregate classification (germline): Conflicting classifications of pathogenicity. Review status: criteria provided, conflicting classifications (1 of 4 stars). 14 submissions from 14 submitters: Uncertain significance (6); Likely benign (8). Last evaluated 2026-05-01.

Conditions:
BARD1-related disorder. Also called: BARD1-related condition.
BARD1-related cancer predisposition. Identifiers: MedGen CN377756, MONDO:0700267.
Hereditary cancer-predisposing syndrome. Also called: Neoplastic Syndromes, Hereditary; Tumor predisposition; Hereditary Cancer Syndrome; Hereditary neoplastic syndrome. Identifiers: Orphanet 140162, MedGen C0027672, MeSH D009386, MONDO:0015356.
Familial cancer of breast. Also called: hereditary breast carcinoma; Hereditary breast cancer; BREAST CANCER, FAMILIAL. Identifiers: Orphanet 227535, MedGen C0346153, MONDO:0016419, OMIM 114480. Disease mechanism: loss of function.

Allele frequency attached by ClinVar (database versions not stated): gnomAD 0.00004 and 0.00005; gnomAD exomes 0.00004 and 0.00008; ExAC 0.00007; TOPMed 0.00008.
gnomAD v4.1: 74 of 1,612,872 alleles (0.0046%); highest among the groups gnomAD compares: Admixed American, 0.0017%; 1 homozygote.

Submissions (14):

Ambry Genetics
Classification: Uncertain significance for Hereditary cancer-predisposing syndrome. Last evaluated: 2026-05-01. Review status: criteria provided, single submitter. Criteria: Ambry Variant Classification Scheme 2023. Collection method: clinical testing. Allele origin: germline.
Comment: The p.V523A variant (also known as c.1568T>C), located in coding exon 6 of the BARD1 gene, results from a T to C substitution at nucleotide position 1568. The valine at codon 523 is replaced by alanine, an amino acid with similar properties. This alteration was seen in a cohort of unselected individuals diagnosed with colorectal cancer and in an individual who previously tested negative for mutations in BRCA1 and BRCA2 (Yurgelun MB et al. J. Clin. Oncol. 2017 Apr;35:1086-1095; Yadav S et al. Fam. Cancer. 2017 07;16(3):319-328). This amino acid position is highly conserved in available vertebrate species. In addition, this alteration is predicted to be tolerated by in silico analysis. Based on the available evidence, the clinical significance of this variant remains unclear.

Labcorp Genetics (formerly Invitae), Labcorp
Classification: Likely benign for Familial cancer of breast. Last evaluated: 2026-02-03. Review status: criteria provided, single submitter. Criteria: Invitae Variant Classification Sherloc (09022015). Collection method: clinical testing. Allele origin: germline.

Women's Health and Genetics/Laboratory Corporation of America, LabCorp
Classification: Likely benign. Last evaluated: 2025-10-22. Review status: criteria provided, single submitter. Criteria: LabCorp Variant Classification Summary - May 2015. Collection method: clinical testing. Allele origin: germline.
Comment: Variant summary: BARD1 c.1568T>C (p.Val523Ala) results in a non-conservative amino acid change located in the Ankyrin repeat-containing domain (IPR020683) of the encoded protein sequence. Algorithms developed to predict the effect of missense changes on protein structure and function are either unavailable or do not agree on the potential impact of this missense change. This variant is located to the last nucleotide of exon 6, therefore it could also affect splicing. Consensus agreement among computation tools predict no significant impact on normal splicing. However, these predictions have yet to be confirmed by functional studies. The variant allele was found at a frequency of 4.7e-05 in 1611412 control chromosomes, predominantly at a frequency of 0.0019 within the Ashkenazi Jewish subpopulation in the gnomAD database, including 1 homozygote. The observed variant frequency within Ashkenazi Jewish control individuals in the gnomAD database exceeds the estimated maximal expected allele frequency for disease-causing variants in BARD1. In addition, the variant has also been found in three individuals in the FLOSSIES database (a cohort of African American and European American women over 70 years of age who have never had cancer). The variant, c.1568T>C, has been observed in individuals affected with breast cancer and other tumor phenotypes, however it was also reported in several unaffected controls (e.g. Yadav 2016, Yurgelun 2017, Isaacsson Velho_2018, Weber-Lassalle_2019, Bhai_2021, Dorling_2021, Novelli_2024). These reports do not provide unequivocal conclusions about association of the variant with Hereditary Breast And Ovarian Cancer Syndrome. At least one publication reported experimental evidence evaluating an impact on protein function, and demonstrated that the variant protein had no significant impact on homology directed repair (HDR) activity compared to wild-type BARD1 (e.g. Adamovich_2019). In addition, a recent study examining patient derived fibroblasts found that that BARD1 protein levels were significantly reduced in these cells, together with increased ROS production, increased sensitivity to DNA damage, and altered calcium signaling (Novelli_2024), however it is unclear whether these finding were the related to the heterozygous missense variant (V523A), or to the reduced BARD1 protein levels in these cells. The following publications have been ascertained in the context of this evaluation (PMID: 30925164, 29368341, 31036035, 27878467, 28135145, 34326862, 33471991, 38990952). ClinVar contains an entry for this variant (Variation ID: 127716). Based on the evidence outlined above, the variant was classified as likely benign.

PreventionGenetics, part of Exact Sciences
Classification: Likely benign for BARD1-related condition. Last evaluated: 2025-10-01. Review status: criteria provided, single submitter. Criteria: ACMG Guidelines, 2015. Collection method: clinical testing. Allele origin: germline.
Comment: This variant is classified as likely benign based on ACMG/AMP sequence variant interpretation guidelines (Richards et al. 2015 PMID: 25741868, with internal and published modifications).

Quest Diagnostics Nichols Institute San Juan Capistrano
Classification: Likely benign. Last evaluated: 2025-09-29. Review status: criteria provided, single submitter. Criteria: Quest Diagnostics criteria. Collection method: clinical testing. Allele origin: unknown.

Dasa
Classification: Uncertain significance. Last evaluated: 2025-03-20. Review status: criteria provided, single submitter. Criteria: DASA Assertion Criteria. Collection method: clinical testing. Allele origin: germline.
Comment: NM_000465.4(BARD1):c.1568T>C (p.Val523Ala) is a missense variant that results in the substitution of valine with alanine. This variant is rare in population databases. Computational prediction algorithms are consistent with a benign effect. The currently available literature and clinical evidence are not sufficient to establish a definitive association between this variant and the reported condition. Therefore, this variant is classified as a variant of uncertain significance.

Blueprint Genetics
Classification: Likely benign. Last evaluated: 2024-10-10. Review status: criteria provided, single submitter. Criteria: ACMG Guidelines, 2015. Collection method: clinical testing. Allele origin: germline.

Department of Pathology and Laboratory Medicine, Sinai Health System
Classification: Uncertain significance for BARD1-related cancer predisposition. Last evaluated: 2024-10-07. Review status: criteria provided, single submitter. Criteria: ACMG Guidelines, 2015. Collection method: clinical testing. Allele origin: germline. Affected: yes.

Myriad Genetics, Inc.
Classification: Likely benign for Familial cancer of breast. Last evaluated: 2024-07-25. Review status: criteria provided, single submitter. Criteria: Myriad Autosomal Dominant, Autosomal Recessive and X-Linked Classification Criteria (2023). Collection method: clinical testing. Allele origin: unknown.
Comment: This variant is considered likely benign. This variant is strongly associated with less severe personal and family histories of cancer, typical for individuals without pathogenic variants in this gene [PMID: 25085752].

Institute for Biomarker Research, Medical Diagnostic Laboratories, L.L.C.
Classification: Uncertain significance for Hereditary cancer-predisposing syndrome. Last evaluated: 2024-06-04. Review status: criteria provided, single submitter. Criteria: ACMG Guidelines, 2015. Collection method: clinical testing. Allele origin: germline.

GeneDx
Classification: Uncertain significance. Last evaluated: 2024-04-22. Review status: criteria provided, single submitter. Criteria: GeneDx Variant Classification Process June 2021. Collection method: clinical testing. Allele origin: germline. Affected: yes.
Comment: Observed in individuals with breast, colon, prostate, and other cancers (PMID: 18480049, 28873162, 28135145, 29368341); Published functional studies demonstrate 60% homology-directed repair function compared to wildtype (PMID: 30925164); In silico analysis indicates that this missense variant does not alter protein structure/function; This variant is associated with the following publications: (PMID: 28135145, 29368341, 26496030, 27878467, 28873162, 31036035, 18480049, 34326862, 36845387, 30925164)

Sema4
Classification: Likely benign for Hereditary cancer-predisposing syndrome. Last evaluated: 2021-05-06. Review status: criteria provided, single submitter. Criteria: Sema4 Curation Guidelines. Collection method: curation. Allele origin: germline.

Color Diagnostics, LLC DBA Color Health
Classification: Likely benign for Hereditary cancer-predisposing syndrome. Last evaluated: 2020-02-09. Review status: criteria provided, single submitter. Criteria: ACMG Guidelines, 2015. Collection method: clinical testing. Allele origin: germline.

Illumina Laboratory Services, Illumina
Classification: Uncertain significance for Familial cancer of breast. Last evaluated: 2018-01-13. Review status: criteria provided, single submitter. Criteria: ICSL Variant Classification Criteria 13 December 2019. Collection method: clinical testing. Allele origin: germline.

Literature cited by the submitters: PubMed 27878467 (cited by 5 submitters); PubMed 28135145 (cited by 5 submitters); PubMed 28873162 (cited by 4 submitters); PubMed 29368341 (cited by 5 submitters); PubMed 30925164 (cited by 4 submitters); PubMed 31036035 (cited by Women's Health and Genetics/Laboratory Corporation of America, LabCorp and Quest Diagnostics Nichols Institute San Juan Capistrano); PubMed 33471991 (cited by Women's Health and Genetics/Laboratory Corporation of America, LabCorp); PubMed 34326862 (cited by Women's Health and Genetics/Laboratory Corporation of America, LabCorp and Quest Diagnostics Nichols Institute San Juan Capistrano); PubMed 38990952 (cited by Women's Health and Genetics/Laboratory Corporation of America, LabCorp and Quest Diagnostics Nichols Institute San Juan Capistrano); PubMed 34102105 (cited by Quest Diagnostics Nichols Institute San Juan Capistrano); PubMed 36845387 (cited by Quest Diagnostics Nichols Institute San Juan Capistrano); PubMed 25085752 (cited by Myriad Genetics, Inc.).

NM_000465.4(BARD1):c.1568T>C (p.Val523Ala)

Gene: BARD1 (BRCA1 associated RING domain 1; minus strand). Cytogenetic location: 2q35.
Variant type: single nucleotide variant.
Coding change: c.1568T>C on transcript NM_000465.4 (MANE Select); coding-DNA position 1568, T replaced by C.
Protein change: p.Val523Ala; replaces valine 523 with alanine.
Molecular consequence: missense variant. On other transcripts: non-coding transcript variant (3), intron variant (3).
Genome position (GRCh38, 1-based): chr2:214,767,482, A>G on the plus strand (T>C on the coding strand, the complement: BARD1 is on the minus strand). VCF-style: chr2-214767482-A-G. GRCh37 (hg19) VCF-style: chr2-215632206-A-G.
Other names: p.V523A:GTT>GCT; c.1511T>C, p.Val504Ala (NM_001282543.2); c.159-14927T>C (NM_001282548.2); c.216-14927T>C (NM_001282545.2); c.364+24815T>C (NM_001282549.2); short protein forms V523A, V504A.
Identifiers: ClinVar variation 127716 (VCV000127716.45), dbSNP rs587780017, ClinGen allele CA331812.